The following is an entry in ClinVar:

NM_003718.5(CDK13):c.645G>C (p.Glu215Asp)

Gene: CDK13 (cyclin dependent kinase 13; plus strand). Cytogenetic location: 7p14.1.
Variant type: single nucleotide variant.
Coding change: c.645G>C on transcript NM_003718.5 (MANE Select); coding-DNA position 645, G replaced by C.
Protein change: p.Glu215Asp; replaces glutamic acid 215 with aspartic acid.
Molecular consequence: missense variant.
Genome position (GRCh38, 1-based): chr7:39,951,286, G>C. VCF-style: chr7-39951286-G-C. GRCh37 (hg19) VCF-style: chr7-39990885-G-C.
Other names: c.645G>C, p.Glu215Asp (NM_031267.4); short protein forms E215D.
Identifiers: ClinVar variation 2745699 (VCV002745699.3), dbSNP rs1185235703, ClinGen allele CA367310172.

ClinVar aggregate classification (germline): Uncertain significance (1 of 4 stars; one submission).

gnomAD v4.1: 2 of 1,362,472 alleles (0.00015%); highest among the groups gnomAD compares: Admixed American, 0.004%; no homozygotes.

Submission:

Labcorp Genetics (formerly Invitae), Labcorp
Classification: Uncertain significance. Last evaluated: 2023-07-21. Review status: criteria provided, single submitter. Criteria: Invitae Variant Classification Sherloc (09022015). Collection method: clinical testing. Allele origin: germline.
Comment: In summary, the available evidence is currently insufficient to determine the role of this variant in disease. Therefore, it has been classified as a Variant of Uncertain Significance. Advanced modeling of protein sequence and biophysical properties (such as structural, functional, and spatial information, amino acid conservation, physicochemical variation, residue mobility, and thermodynamic stability) performed at Invitae indicates that this missense variant is not expected to disrupt CDK13 protein function. This variant has not been reported in the literature in individuals affected with CDK13-related conditions. This variant is not present in population databases (gnomAD no frequency). This sequence change replaces glutamic acid, which is acidic and polar, with aspartic acid, which is acidic and polar, at codon 215 of the CDK13 protein (p.Glu215Asp).